The following is an entry in ClinVar:

NM_000138.5(FBN1):c.4210+4T>A

Gene: FBN1 (fibrillin 1; minus strand). Cytogenetic location: 15q21.1.
Variant type: single nucleotide variant.
Coding change: c.4210+4T>A on transcript NM_000138.5 (MANE Select); 4 bases into the intron after coding-DNA position 4210, T replaced by A.
Molecular consequence: intron variant.
Genome position (GRCh38, 1-based): chr15:48,474,251, A>T on the plus strand (T>A on the coding strand, the complement: FBN1 is on the minus strand). VCF-style: chr15-48474251-A-T. GRCh37 (hg19) VCF-style: chr15-48766448-A-T.
Other names: c.4210+4T>A (NM_001406716.1).
Identifiers: ClinVar variation 2773345 (VCV002773345.2), dbSNP rs1413544374, ClinGen allele CA2628334478.

ClinVar aggregate classification (germline): Uncertain significance (1 of 4 stars; one submission).

Conditions:
Familial thoracic aortic aneurysm and aortic dissection (TAAD). Also called: Thoracic aortic aneurysms and dissections. Identifiers: Orphanet 91387, MedGen C4707243, MONDO:0019625.

gnomAD v4.1: 1 of 1,614,110 alleles (0.000062%); highest among the groups gnomAD compares: Non-Finnish European, 0.000085%; no homozygotes.

Submission:

Color Diagnostics, LLC DBA Color Health
Classification: Uncertain significance for Familial thoracic aortic aneurysm and aortic dissection. Last evaluated: 2022-03-08. Review status: criteria provided, single submitter. Criteria: ACMG Guidelines, 2015. Collection method: clinical testing. Allele origin: germline.
Comment: This variant causes a T to A nucleotide substitution at the +4 position of intron 34 of the FBN1 gene. To our knowledge, functional studies have not been reported for this variant. This variant has not been reported in individuals affected with cardiovascular disorders in the literature. This variant has not been identified in the general population by the Genome Aggregation Database (gnomAD). The available evidence is insufficient to determine the role of this variant in disease conclusively. Therefore, this variant is classified as a Variant of Uncertain Significance.